The following is an entry in ClinVar:

ClinVar aggregate classification (germline): Uncertain significance. Review status: criteria provided, multiple submitters, no conflicts (2 of 4 stars). 2 submissions from 2 submitters: Uncertain significance (2). Last evaluated 2024-12-29.

Conditions:
Inborn genetic diseases. Identifiers: MedGen C0950123, MeSH D030342.
Baller-Gerold syndrome (BGS). Also called: CRANIOSYNOSTOSIS WITH RADIAL DEFECTS. Identifiers: Orphanet 1225, MedGen C0265308, MONDO:0009039, OMIM 218600.

Submissions (2):

Ambry Genetics
Classification: Uncertain significance for Inborn genetic diseases. Last evaluated: 2024-12-29. Review status: criteria provided, single submitter. Criteria: Ambry Variant Classification Scheme 2023. Collection method: clinical testing. Allele origin: germline.
Comment: The p.Y353S variant (also known as c.1058A>C), located in coding exon 5 of the RECQL4 gene, results from an A to C substitution at nucleotide position 1058. The tyrosine at codon 353 is replaced by serine, an amino acid with dissimilar properties. This amino acid position is conserved. In addition, the in silico prediction for this alteration is inconclusive. Based on the available evidence, the clinical significance of this variant remains unclear.

Labcorp Genetics (formerly Invitae), Labcorp
Classification: Uncertain significance for Baller-Gerold syndrome. Last evaluated: 2021-07-24. Review status: criteria provided, single submitter. Criteria: Invitae Variant Classification Sherloc (09022015). Collection method: clinical testing. Allele origin: germline.
Comment: In summary, the available evidence is currently insufficient to determine the role of this variant in disease. Therefore, it has been classified as a Variant of Uncertain Significance. Algorithms developed to predict the effect of missense changes on protein structure and function (SIFT, PolyPhen-2, Align-GVGD) all suggest that this variant is likely to be disruptive, but these predictions have not been confirmed by published functional studies and their clinical significance is uncertain. This variant has not been reported in the literature in individuals with RECQL4-related disease. This variant is not present in population databases (ExAC no frequency). This sequence change replaces tyrosine with serine at codon 353 of the RECQL4 protein (p.Tyr353Ser). The tyrosine residue highly conserved and there is a large physicochemical difference between tyrosine and serine.

NM_004260.4(RECQL4):c.1058A>C (p.Tyr353Ser)

Gene: RECQL4 (RecQ like helicase 4; minus strand). Cytogenetic location: 8q24.3.
Variant type: single nucleotide variant.
Coding change: c.1058A>C on transcript NM_004260.4 (MANE Select); coding-DNA position 1058, A replaced by C.
Protein change: p.Tyr353Ser; replaces tyrosine 353 with serine.
Molecular consequence: missense variant.
Genome position (GRCh38, 1-based): chr8:144,516,061, T>G on the plus strand (A>C on the coding strand, the complement: RECQL4 is on the minus strand). VCF-style: chr8-144516061-T-G. GRCh37 (hg19) VCF-style: chr8-145741445-T-G.
Other names: short protein forms Y353S.
Identifiers: ClinVar variation 572806 (VCV000572806.6), dbSNP rs1564805480, ClinGen allele CA372688203.